The following is an entry in ClinVar:

ClinVar aggregate classification (germline): Benign. Review status: criteria provided, multiple submitters, no conflicts (2 of 4 stars). 2 submissions from 2 submitters: Benign (2). Last evaluated 2026-01-15.

Conditions:
MYH7B-related disorder. Also called: MYH7B-related condition.

Allele frequency attached by ClinVar (database versions not stated): gnomAD exomes 0.00036 and 0.00135; gnomAD 0.00051 and 0.00060; TOPMed 0.00090; ExAC 0.00134; 1000 Genomes Project 0.00220; 1000 Genomes Project 30x 0.00250.
gnomAD v4.1: 718 of 1,606,884 alleles (0.045%); highest among the groups gnomAD compares: East Asian, 1.2%; 10 homozygotes.

Submissions (2):

Labcorp Genetics (formerly Invitae), Labcorp
Classification: Benign. Last evaluated: 2026-01-15. Review status: criteria provided, single submitter. Criteria: Invitae Variant Classification Sherloc (09022015). Collection method: clinical testing. Allele origin: germline.

PreventionGenetics, part of Exact Sciences
Classification: Benign for MYH7B-related condition. Last evaluated: 2024-11-11. Review status: criteria provided, single submitter. Criteria: ACMG Guidelines, 2015. Collection method: clinical testing. Allele origin: germline.
Comment: This variant is classified as benign based on ACMG/AMP sequence variant interpretation guidelines (Richards et al. 2015 PMID: 25741868, with internal and published modifications).

NM_020884.7(MYH7B):c.611C>T (p.Pro204Leu)

Gene: MYH7B (myosin heavy chain 7B; plus strand). Cytogenetic location: 20q11.22.
Variant type: single nucleotide variant.
Coding change: c.611C>T on transcript NM_020884.7 (MANE Select); coding-DNA position 611, C replaced by T.
Protein change: p.Pro204Leu; replaces proline 204 with leucine.
Molecular consequence: missense variant.
Genome position (GRCh38, 1-based): chr20:34,982,542, C>T. VCF-style: chr20-34982542-C-T. GRCh37 (hg19) VCF-style: chr20-33570345-C-T.
Other names: short protein forms P204L.
Identifiers: ClinVar variation 782928 (VCV000782928.11), dbSNP rs149008892, ClinGen allele CA9826527.